The following is an entry in ClinVar:

ClinVar aggregate classification (germline): Uncertain significance. Review status: criteria provided, multiple submitters, no conflicts (2 of 4 stars). 2 submissions from 2 submitters: Uncertain significance (2). Last evaluated 2025-10-27.

Conditions:
Inborn genetic diseases. Identifiers: MedGen C0950123, MeSH D030342.

Allele frequency attached by ClinVar (database versions not stated): ExAC 0.00007; gnomAD exomes 0.00007; TOPMed 0.00008; ESP Exome Variant Server 0.00009; gnomAD 0.00012.
gnomAD v4.1: 110 of 1,520,384 alleles (0.0072%); highest among the groups gnomAD compares: Non-Finnish European, 0.0097%; no homozygotes.

Submissions (2):

Labcorp Genetics (formerly Invitae), Labcorp
Classification: Uncertain significance. Last evaluated: 2025-10-27. Review status: criteria provided, single submitter. Criteria: Invitae Variant Classification Sherloc (09022015). Collection method: clinical testing. Allele origin: germline.
Comment: This sequence change replaces threonine, which is neutral and polar, with alanine, which is neutral and non-polar, at codon 5060 of the PCLO protein (p.Thr5060Ala). This variant is present in population databases (rs374602829, gnomAD 0.01%). This variant has not been reported in the literature in individuals affected with PCLO-related conditions. ClinVar contains an entry for this variant (Variation ID: 1446150). Experimental studies and prediction algorithms are not available or were not evaluated, and the functional significance of this variant is currently unknown. In summary, the available evidence is currently insufficient to determine the role of this variant in disease. Therefore, it has been classified as a Variant of Uncertain Significance.

Ambry Genetics
Classification: Uncertain significance for Inborn genetic diseases. Last evaluated: 2021-09-01. Review status: criteria provided, single submitter. Criteria: Ambry Variant Classification Scheme 2023. Collection method: clinical testing. Allele origin: germline.

NM_033026.6(PCLO):c.15178A>G (p.Thr5060Ala)

Gene: PCLO (piccolo presynaptic cytomatrix protein; minus strand). Cytogenetic location: 7q21.11.
Variant type: single nucleotide variant.
Coding change: c.15178A>G on transcript NM_033026.6 (MANE Select); coding-DNA position 15178, A replaced by G.
Protein change: p.Thr5060Ala; replaces threonine 5060 with alanine.
Molecular consequence: missense variant.
Genome position (GRCh38, 1-based): chr7:82,760,749, T>C on the plus strand (A>G on the coding strand, the complement: PCLO is on the minus strand). VCF-style: chr7-82760749-T-C. GRCh37 (hg19) VCF-style: chr7-82390065-T-C.
Other names: c.15178A>G (NM_033026.5); short protein forms T5060A.
Identifiers: ClinVar variation 1446150 (VCV001446150.5), dbSNP rs374602829, ClinGen allele CA4318594.